The following is an entry in ClinVar:

NM_006531.5(IFT88):c.1122G>A (p.Met374Ile)

Gene: IFT88 (intraflagellar transport 88; plus strand). Cytogenetic location: 13q12.11.
Variant type: single nucleotide variant.
Coding change: c.1122G>A on transcript NM_006531.5 (MANE Select); coding-DNA position 1122, G replaced by A.
Protein change: p.Met374Ile; replaces methionine 374 with isoleucine.
Molecular consequence: missense variant. On other transcripts: non-coding transcript variant (5), intron variant (1).
Genome position (GRCh38, 1-based): chr13:20,615,802, G>A. VCF-style: chr13-20615802-G-A. GRCh37 (hg19) VCF-style: chr13-21189941-G-A.
Other names: c.1065G>A, p.Met355Ile (NM_001318491.2, NM_001353575.2); c.1149G>A, p.Met383Ile (NM_001318493.2, NM_001353565.2, NM_001353566.2 and 2 more transcripts); c.1122G>A, p.Met374Ile (NM_001353568.2, NM_001353572.2); c.1047G>A, p.Met349Ile (NM_001353569.2, NM_001353570.2, NM_001353576.2 and 1 more transcripts); c.1020G>A, p.Met340Ile (NM_001353571.2, NM_001353578.2); c.963G>A, p.Met321Ile (NM_001353574.2); c.489G>A, p.Met163Ile (NM_001353579.2); c.1056-9948G>A (NM_001353573.2); short protein forms M383I, M340I, M349I, M321I, M355I, M163I, M374I.
Identifiers: ClinVar variation 402965 (VCV000402965.13), dbSNP rs2442455, ClinGen allele CA6905300.
Genomic context (GRCh38, chr13:20,615,802, plus strand): 5'-ACTATTTTATACTGTATCTCTAAATACAACTTTTTGGTTTATTTGATATAGGAAAGCCAT[G>A]GCAGAAAAATATATTATGACATCTGCAAAACTCATTGCTCCTGTAATTGAAACATCTTTT-3'
Protein context (NP_006522.2, residues 364-384): LRQMERERKA[Met374Ile]AEKYIMTSAK

ClinVar aggregate classification (germline): Benign. Review status: criteria provided, multiple submitters, no conflicts (2 of 4 stars). 3 submissions from 3 submitters: Benign (3). Last evaluated 2026-02-03.

Allele frequency attached by ClinVar (database versions not stated): gnomAD exomes 0.12590 and 0.13457; 1000 Genomes Project 0.12999; ExAC 0.13208; 1000 Genomes Project 30x 0.13554; gnomAD 0.16495 and 0.17093; TOPMed 0.17000; ESP Exome Variant Server 0.18141.

Submissions (3):

Labcorp Genetics (formerly Invitae), Labcorp
Classification: Benign. Last evaluated: 2026-02-03. Review status: criteria provided, single submitter. Criteria: Invitae Variant Classification Sherloc (09022015). Collection method: clinical testing. Allele origin: germline.

Laboratory for Molecular Medicine, Mass General Brigham Personalized Medicine
Classification: Benign. Last evaluated: 2016-03-29. Review status: criteria provided, single submitter. Criteria: LMM Criteria. Collection method: clinical testing. Allele origin: germline.
Comment: Variant identified in a genome or exome case(s) and assessed due to predicted null impact of the variant or pathogenic assertions in the literature or databases. Disclaimer: This variant has not undergone full assessment. The following are preliminary notes: Frequency

Breakthrough Genomics
Classification: Benign. Review status: criteria provided, single submitter. Criteria: ACMG Guidelines, 2015. Collection method: not provided. Allele origin: germline. Inheritance: Unknown mechanism. Affected: yes.